The following is an entry in ClinVar:

NM_002016.2(FLG):c.1992C>A (p.His664Gln)

Genes: CCDST (cervical cancer associated DHX9 suppressive transcript; plus strand), FLG (filaggrin; minus strand). Cytogenetic location: 1q21.3.
Variant type: single nucleotide variant.
Coding change: c.1992C>A on transcript NM_002016.2 (MANE Select); coding-DNA position 1992, C replaced by A.
Protein change: p.His664Gln; replaces histidine 664 with glutamine.
Molecular consequence: missense variant.
Genome position (GRCh38, 1-based): chr1:152,312,894, G>T on the plus strand (C>A on the coding strand, the complement: FLG is on the minus strand). VCF-style: chr1-152312894-G-T. GRCh37 (hg19) VCF-style: chr1-152285370-G-T.
Other names: short protein forms H664Q.
Identifiers: ClinVar variation 5001006 (VCV005001006.1).

ClinVar aggregate classification (germline): Benign (1 of 4 stars; one submission).

Conditions:
FLG-related disorder. Also called: FLG-related disorders; FLG-related condition.

gnomAD v4.1: 9,136 of 1,613,922 alleles (0.57%); highest among the groups gnomAD compares: African/African-American, 10%; 460 homozygotes.

Submission:

PreventionGenetics, part of Exact Sciences
Classification: Benign for FLG-related condition. Last evaluated: 2024-10-27. Review status: criteria provided, single submitter. Criteria: ACMG Guidelines, 2015. Collection method: clinical testing. Allele origin: germline.
Comment: This variant is classified as benign based on ACMG/AMP sequence variant interpretation guidelines (Richards et al. 2015 PMID: 25741868, with internal and published modifications).